The following is an entry in ClinVar:

ClinVar aggregate classification (germline): Uncertain significance (1 of 4 stars; one submission).

Conditions:
Hereditary cancer-predisposing syndrome. Also called: Neoplastic Syndromes, Hereditary; Tumor predisposition; Hereditary neoplastic syndrome; Hereditary Cancer Syndrome. Identifiers: Orphanet 140162, MedGen C0027672, MeSH D009386, MONDO:0015356.
Cardiovascular phenotype. Identifiers: MedGen CN230736.

Submission:

Ambry Genetics
Classification: Uncertain significance for Cardiovascular phenotype; Hereditary cancer-predisposing syndrome. Last evaluated: 2023-11-01. Review status: criteria provided, single submitter. Criteria: Ambry Variant Classification Scheme 2023. Collection method: clinical testing. Allele origin: germline.
Comment: The p.S556T variant (also known as c.1667G>C), located in coding exon 15 of the LZTR1 gene, results from a G to C substitution at nucleotide position 1667. The serine at codon 556 is replaced by threonine, an amino acid with similar properties. This amino acid position is conserved. In addition, this alteration is predicted to be tolerated by in silico analysis. Since supporting evidence is limited at this time, the clinical significance of this alteration remains unclear.

NM_006767.4(LZTR1):c.1667G>C (p.Ser556Thr)

Gene: LZTR1 (leucine zipper like post translational regulator 1; plus strand). Cytogenetic location: 22q11.21.
Variant type: single nucleotide variant.
Coding change: c.1667G>C on transcript NM_006767.4 (MANE Select); coding-DNA position 1667, G replaced by C.
Protein change: p.Ser556Thr; replaces serine 556 with threonine.
Molecular consequence: missense variant.
Genome position (GRCh38, 1-based): chr22:20,994,609, G>C. VCF-style: chr22-20994609-G-C. GRCh37 (hg19) VCF-style: chr22-21348898-G-C.
Other names: short protein forms S556T.
Identifiers: ClinVar variation 3238121 (VCV003238121.1), dbSNP rs1276419953.